The following is an entry in ClinVar:

ClinVar aggregate classification (germline): Benign/Likely benign. Review status: criteria provided, multiple submitters, no conflicts (2 of 4 stars). 3 submissions from 3 submitters: Benign (1); Likely benign (2). Last evaluated 2020-10-01.

Allele frequency attached by ClinVar (database versions not stated): 1000 Genomes Project 0.00399; 1000 Genomes Project 30x 0.00422.

Submissions (3):

GeneDx
Classification: Likely benign. Last evaluated: 2020-10-01. Review status: criteria provided, single submitter. Criteria: GeneDx Variant Classification Process June 2021. Collection method: clinical testing. Allele origin: germline. Affected: yes.
Comment: This variant is associated with the following publications: (PMID: 32041611)

Genetic Services Laboratory, University of Chicago
Classification: Benign. Last evaluated: 2018-04-10. Review status: criteria provided, single submitter. Criteria: ACMG Guidelines, 2015. Collection method: clinical testing. Allele origin: germline. Affected: no.

Breakthrough Genomics
Classification: Likely benign. Review status: criteria provided, single submitter. Criteria: ACMG Guidelines, 2015. Collection method: not provided. Allele origin: germline. Inheritance: Autosomal dominant inheritance. Affected: yes.

NM_001807.6(CEL):c.61G>T (p.Ala21Ser)

Gene: CEL (carboxyl ester lipase; plus strand). Cytogenetic location: 9q34.13.
Variant type: single nucleotide variant.
Coding change: c.61G>T on transcript NM_001807.6 (MANE Select); coding-DNA position 61, G replaced by T.
Protein change: p.Ala21Ser; replaces alanine 21 with serine.
Molecular consequence: missense variant.
Genome position (GRCh38, 1-based): chr9:133,062,063, G>T. VCF-style: chr9-133062063-G-T. GRCh37 (hg19) VCF-style: chr9-135937450-G-T.
Other names: short protein forms A21S.
Identifiers: ClinVar variation 1200172 (VCV001200172.8), dbSNP rs558100781, ClinGen allele CA5302842.